The following is an entry in ClinVar:

NM_133497.4(KCNV2):c.58G>A (p.Glu20Lys)

Gene: KCNV2 (potassium voltage-gated channel modifier subfamily V member 2; plus strand). Cytogenetic location: 9p24.2.
Variant type: single nucleotide variant.
Coding change: c.58G>A on transcript NM_133497.4 (MANE Select); coding-DNA position 58, G replaced by A.
Protein change: p.Glu20Lys; replaces glutamic acid 20 with lysine.
Molecular consequence: missense variant.
Genome position (GRCh38, 1-based): chr9:2,717,797, G>A. VCF-style: chr9-2717797-G-A. GRCh37 (hg19) VCF-style: chr9-2717797-G-A.
Other names: short protein forms E20K.
Identifiers: ClinVar variation 193487 (VCV000193487.19), dbSNP rs76776637, ClinGen allele CA200615.

ClinVar aggregate classification (germline): Benign/Likely benign. Review status: criteria provided, multiple submitters, no conflicts (2 of 4 stars). 5 submissions from 5 submitters: Benign (1); Likely benign (3). 1 of the submissions does not count toward it. Last evaluated 2026-01-13.

Conditions:
KCNV2-related disorder. Also called: KCNV2-related condition.

Allele frequency attached by ClinVar (database versions not stated): gnomAD exomes 0.00058; ExAC 0.00072; ESP Exome Variant Server 0.00208; gnomAD 0.00232 and 0.00254; TOPMed 0.00252; 1000 Genomes Project 30x 0.00265; 1000 Genomes Project 0.00319.
gnomAD v4.1: 629 of 1,614,252 alleles (0.039%); highest among the groups gnomAD compares: African/African-American, 0.73%; 2 homozygotes.

Submissions (5):

Labcorp Genetics (formerly Invitae), Labcorp
Classification: Likely benign. Last evaluated: 2026-01-13. Review status: criteria provided, single submitter. Criteria: Invitae Variant Classification Sherloc (09022015). Collection method: clinical testing. Allele origin: germline.

Blueprint Genetics
Classification: Likely benign. Last evaluated: 2024-08-21. Review status: criteria provided, single submitter. Criteria: ACMG Guidelines, 2015. Collection method: clinical testing. Allele origin: germline.

Eurofins Ntd Llc (ga)
Classification: Benign. Last evaluated: 2014-10-07. Review status: criteria provided, single submitter. Criteria: EGL Classification Definitions 2015. Collection method: clinical testing. Allele origin: germline. Observed: 1 variant allele, 1 heterozygote.

Breakthrough Genomics
Classification: Likely benign. Review status: criteria provided, single submitter. Criteria: ACMG Guidelines, 2015. Collection method: not provided. Allele origin: germline. Inheritance: Autosomal recessive inheritance. Affected: yes.

PreventionGenetics, part of Exact Sciences
Classification: Benign for KCNV2-related condition. Last evaluated: 2019-07-11. Review status: no assertion criteria provided. Collection method: clinical testing. Allele origin: germline. Not counted in ClinVar's aggregate classification.
Comment: This variant is classified as benign based on ACMG/AMP sequence variant interpretation guidelines (Richards et al. 2015 PMID: 25741868, with internal and published modifications).